The following is an entry in ClinVar:

NM_005670.4(EPM2A):c.802G>A (p.Ala268Thr)

Gene: EPM2A (EPM2A glucan phosphatase, laforin; minus strand). Cytogenetic location: 6q24.3.
Variant type: single nucleotide variant.
Coding change: c.802G>A on transcript NM_005670.4 (MANE Select); coding-DNA position 802, G replaced by A.
Protein change: p.Ala268Thr; replaces alanine 268 with threonine.
Molecular consequence: missense variant. On other transcripts: non-coding transcript variant (1).
Genome position (GRCh38, 1-based): chr6:145,627,610, C>T on the plus strand (G>A on the coding strand, the complement: EPM2A is on the minus strand). VCF-style: chr6-145627610-C-T. GRCh37 (hg19) VCF-style: chr6-145948746-C-T.
Other names: NM_005670.4(EPM2A):c.802G>A; p.Ala268Thr; c.802G>A, p.Ala268Thr (NM_001018041.2); c.560G>A, p.Arg187His (NM_001360057.2); c.388G>A, p.Ala130Thr (NM_001360064.2, NM_001360071.2, NM_001368131.1); c.340G>A, p.Ala114Thr (NM_001368129.2, NM_001368132.1); short protein forms A114T, A268T, R187H, A130T.
Identifiers: ClinVar variation 853393 (VCV000853393.6), dbSNP rs748514820, ClinGen allele CA4035073.

ClinVar aggregate classification (germline): Uncertain significance. Review status: criteria provided, multiple submitters, no conflicts (2 of 4 stars). 3 submissions from 3 submitters: Uncertain significance (3). Last evaluated 2025-07-12.

Conditions:
Inborn genetic diseases. Identifiers: MedGen C0950123, MeSH D030342.
Lafora disease. Also called: Epilepsy progressive myoclonic 2. Identifiers: Orphanet 501, MedGen C0751783, MONDO:0009697.
Progressive myoclonic epilepsy. Also called: Myoclonic Epilepsies, Progressive; Myoclonus epilepsy; Progressive myoclonus epilepsy; Familial progressive myoclonic epilepsy. Identifiers: Orphanet 308, Orphanet 98261, MedGen C0751778, MONDO:0020074.

Allele frequency attached by ClinVar (database versions not stated): gnomAD 0.00001 and 0.00002; TOPMed 0.00003; gnomAD exomes 0.00004; ExAC 0.00005.
gnomAD v4.1: 40 of 1,614,076 alleles (0.0025%); highest among the groups gnomAD compares: Middle Eastern, 0.033%; no homozygotes.

Submissions (3):

Ambry Genetics
Classification: Uncertain significance for Inborn genetic diseases. Last evaluated: 2025-07-12. Review status: criteria provided, single submitter. Criteria: Ambry Variant Classification Scheme 2023. Collection method: clinical testing. Allele origin: germline.

Broad Center for Mendelian Genomics, Broad Institute of MIT and Harvard
Classification: Uncertain significance for Lafora disease. Last evaluated: 2025-01-08. Review status: criteria provided, single submitter. Criteria: ACMG Guidelines, 2015. Collection method: curation. Allele origin: germline. Inheritance: Autosomal recessive inheritance.
Comment: The p.Ala268Thr variant in EPM2A has been reported, in the homozygous state, in one individual with Lafora disease (Donahue 2023), and has been identified in 0.003% (33/1180052) of European (non-Finnish) chromosomes by the Genome Aggregation Database (gnomAD; dbSNP ID: rs748514820). Although this variant has been seen in the general population in a heterozygous state, its frequency is not high enough to rule out a pathogenic role. In vitro functional studies provide some evidence that the p.Ala268Thr variant may slightly impact protein function (Donahue 2023). However, these types of assays may not accurately represent biological function. Computational prediction tools and conservation analyses suggest that this variant may impact the protein, though this information is not predictive enough to determine pathogenicity. In summary, while there is some suspicion for a pathogenic role, the clinical significance of this variant is uncertain. ACMG/AMP Criteria applied: PP3_moderate, PM2_supporting, PM3_supporting, PS3_supporting (Richards 2015).

Labcorp Genetics (formerly Invitae), Labcorp
Classification: Uncertain significance for Progressive myoclonic epilepsy. Last evaluated: 2022-08-20. Review status: criteria provided, single submitter. Criteria: Invitae Variant Classification Sherloc (09022015). Collection method: clinical testing. Allele origin: germline.
Comment: This sequence change replaces alanine, which is neutral and non-polar, with threonine, which is neutral and polar, at codon 268 of the EPM2A protein (p.Ala268Thr). This variant is present in population databases (rs748514820, gnomAD 0.008%). This variant has not been reported in the literature in individuals affected with EPM2A-related conditions. ClinVar contains an entry for this variant (Variation ID: 853393). Algorithms developed to predict the effect of missense changes on protein structure and function (SIFT, PolyPhen-2, Align-GVGD) all suggest that this variant is likely to be disruptive. In summary, the available evidence is currently insufficient to determine the role of this variant in disease. Therefore, it has been classified as a Variant of Uncertain Significance.